The following is an entry in ClinVar:

ClinVar aggregate classification (germline): Uncertain significance. Review status: criteria provided, multiple submitters, no conflicts (2 of 4 stars). 3 submissions from 3 submitters: Uncertain significance (3). Last evaluated 2025-09-04.

Conditions:
Cardiovascular phenotype. Identifiers: MedGen CN230736.
Long QT syndrome (LQTS). Identifiers: MedGen C0023976, MeSH D008133, MONDO:0002442. Disease mechanism: loss of function. Inheritance: Various modes of inheritance.

Allele frequency attached by ClinVar (database versions not stated): gnomAD exomes 0.00001; TOPMed 0.00001.
gnomAD v4.1: 9 of 1,612,466 alleles (0.00056%); highest among the groups gnomAD compares: South Asian, 0.0033%; no homozygotes.

Submissions (3):

Ambry Genetics
Classification: Uncertain significance for Cardiovascular phenotype. Last evaluated: 2025-09-04. Review status: criteria provided, single submitter. Criteria: Ambry Variant Classification Scheme 2023. Collection method: clinical testing. Allele origin: germline.
Comment: The p.P632L variant (also known as c.1895C>T), located in coding exon 18 of the ANK2 gene, results from a C to T substitution at nucleotide position 1895. The proline at codon 632 is replaced by leucine, an amino acid with similar properties. This variant has been detected in an autism cohort; however, details were limited (Stessman HA et al. Nat Genet, 2017 Apr;49:515-526). This amino acid position is highly conserved in available vertebrate species. In addition, this alteration is predicted to be deleterious by in silico analysis. Since supporting evidence is limited at this time, the clinical significance of this alteration remains unclear.

Labcorp Genetics (formerly Invitae), Labcorp
Classification: Uncertain significance for Long QT syndrome. Last evaluated: 2025-08-14. Review status: criteria provided, single submitter. Criteria: Invitae Variant Classification Sherloc (09022015). Collection method: clinical testing. Allele origin: germline.
Comment: This sequence change replaces proline, which is neutral and non-polar, with leucine, which is neutral and non-polar, at codon 632 of the ANK2 protein (p.Pro632Leu). This variant is not present in population databases (gnomAD no frequency). This missense change has been observed in individual(s) with neurodevelopmental disorders and/or sudden infant death syndrome (PMID: 24981977, 28191889, 33004838). This variant is also known as c.1991C>T. ClinVar contains an entry for this variant (Variation ID: 1316233). Invitae Evidence Modeling of protein sequence and biophysical properties (such as structural, functional, and spatial information, amino acid conservation, physicochemical variation, residue mobility, and thermodynamic stability) has been performed for this missense variant. However, the output from this modeling did not meet the statistical confidence thresholds required to predict the impact of this variant on ANK2 protein function. In summary, the available evidence is currently insufficient to determine the role of this variant in disease. Therefore, it has been classified as a Variant of Uncertain Significance.

GeneDx
Classification: Uncertain significance. Last evaluated: 2020-09-08. Review status: criteria provided, single submitter. Criteria: GeneDx Variant Classification Process June 2021. Collection method: clinical testing. Allele origin: germline. Affected: yes.
Comment: Reported in one patient with sudden unexpected cardiac death (Brion et al., 2014); Not observed in large population cohorts (Lek et al., 2016); In silico analysis supports that this missense variant has a deleterious effect on protein structure/function; This variant is associated with the following publications: (PMID: 24981977, 28191889)

Literature cited by the submitters: PubMed 24981977 (cited by Ambry Genetics and Labcorp Genetics (formerly Invitae), Labcorp); PubMed 28191889 (cited by Ambry Genetics and Labcorp Genetics (formerly Invitae), Labcorp); PubMed 33004838 (cited by Ambry Genetics and Labcorp Genetics (formerly Invitae), Labcorp).

NM_001148.6(ANK2):c.1895C>T (p.Pro632Leu)

Gene: ANK2 (ankyrin 2; plus strand). Cytogenetic location: 4q26.
Variant type: single nucleotide variant.
Coding change: c.1895C>T on transcript NM_001148.6 (MANE Select); coding-DNA position 1895, C replaced by T.
Protein change: p.Pro632Leu; replaces proline 632 with leucine.
Molecular consequence: missense variant.
Genome position (GRCh38, 1-based): chr4:113,282,688, C>T. VCF-style: chr4-113282688-C-T. GRCh37 (hg19) VCF-style: chr4-114203844-C-T.
Other names: c.1832C>T, p.Pro611Leu (NM_001127493.3, NM_001354239.2, NM_001354243.2 and 10 more transcripts); c.1895C>T, p.Pro632Leu (NM_001354225.2, NM_001354228.2, NM_001354232.2 and 6 more transcripts); c.1940C>T, p.Pro647Leu (NM_001354230.2, NM_001354231.2, NM_001354237.2 and 5 more transcripts); c.1796C>T, p.Pro599Leu (NM_001354245.2, NM_001354268.2); c.1808C>T, p.Pro603Leu (NM_001354249.2, NM_001354264.2, NM_001354266.2 and 10 more transcripts); c.1733C>T, p.Pro578Leu (NM_001354253.2, NM_001354257.2, NM_001354270.2 and 1 more transcripts); c.1709C>T, p.Pro570Leu (NM_001354260.2, NM_001354271.2, NM_001386151.1); c.1853C>T, p.Pro618Leu (NM_001354261.2, NM_001386147.1, NM_001386160.1); and 8 more; short protein forms P504L, P537L, P562L, P566L, P570L, P578L, P599L, P603L.
Identifiers: ClinVar variation 1316233 (VCV001316233.9), dbSNP rs929567243, ClinGen allele CA103788617.
Genomic context (GRCh38, chr4:113,282,688, plus strand): 5'-TGTTAATCTTACTCTATATGCATGTGTTTTATTTTTGTTCTTTTTAGAATGGCTATACTC[C>T]GTTACATATTGCTGCCAAGAAGAATCAAATGCAGATAGCTTCCACACTCCTGAACTATGG-3'
Protein context (NP_001139.3, residues 622-642): PHATAKNGYT[Pro632Leu]LHIAAKKNQM